The following is an entry in ClinVar:

ClinVar aggregate classification (germline): Uncertain significance. Review status: criteria provided, single submitter (1 of 4 stars). 2 submissions from 2 submitters: Uncertain significance (1). 1 of the submissions does not count toward it. Last evaluated 2022-05-09.

Conditions:
Neurodevelopmental disorder and structural brain anomalies with or without seizures and spasticity. Identifiers: MedGen C5394423, MONDO:0030046, OMIM 618890.

Allele frequency attached by ClinVar (database versions not stated): gnomAD 0.00001; gnomAD exomes 0.00002; TOPMed 0.00002; ExAC 0.00004.
gnomAD v4.1: 31 of 1,613,732 alleles (0.0019%); highest among the groups gnomAD compares: Non-Finnish European, 0.0023%; no homozygotes.

Submissions (2):

Labcorp Genetics (formerly Invitae), Labcorp
Classification: Uncertain significance. Last evaluated: 2022-05-09. Review status: criteria provided, single submitter. Criteria: Invitae Variant Classification Sherloc (09022015). Collection method: clinical testing. Allele origin: germline.
Comment: This sequence change replaces methionine, which is neutral and non-polar, with valine, which is neutral and non-polar, at codon 302 of the PTPN23 protein (p.Met302Val). This variant is present in population databases (rs748601492, gnomAD 0.006%). This missense change has been observed in individual(s) with PTPN23-related conditions (PMID: 27848944). ClinVar contains an entry for this variant (Variation ID: 915882). Algorithms developed to predict the effect of missense changes on protein structure and function are either unavailable or do not agree on the potential impact of this missense change (SIFT: "Tolerated"; PolyPhen-2: "Not Available"; Align-GVGD: "Class C0"). In summary, the available evidence is currently insufficient to determine the role of this variant in disease. Therefore, it has been classified as a Variant of Uncertain Significance.

OMIM
Classification: Pathogenic for NEURODEVELOPMENTAL DISORDER AND STRUCTURAL BRAIN ANOMALIES WITH SEIZURES AND SPASTICITY. Last evaluated: 2020-05-28. Review status: no assertion criteria provided. Collection method: literature only. Allele origin: germline. Not counted in ClinVar's aggregate classification.

Literature cited by the submitters: PubMed 27848944 (cited by Labcorp Genetics (formerly Invitae), Labcorp and OMIM).

NM_015466.4(PTPN23):c.904A>G (p.Met302Val)

Gene: PTPN23 (protein tyrosine phosphatase non-receptor type 23; plus strand). Cytogenetic location: 3p21.31.
Variant type: single nucleotide variant.
Coding change: c.904A>G on transcript NM_015466.4 (MANE Select); coding-DNA position 904, A replaced by G.
Protein change: p.Met302Val; replaces methionine 302 with valine.
Molecular consequence: missense variant.
Genome position (GRCh38, 1-based): chr3:47,407,348, A>G. VCF-style: chr3-47407348-A-G. GRCh37 (hg19) VCF-style: chr3-47448838-A-G.
Other names: c.526A>G, p.Met176Val (NM_001304482.2); short protein forms M302V, M176V.
Identifiers: ClinVar variation 915882 (VCV000915882.3), dbSNP rs748601492, ClinGen allele CA2365550.
Genomic context (GRCh38, chr3:47,407,348, plus strand): 5'-CCCCTGTCCCTAACCCCACAGGGCCAGCCTGACACTGTGCAAGACGCGCTTCGCTTCACT[A>G]TGGATGTCATTGGGGGAAAGTGAGTCTGTGGGGGTGGCCCTGGTTCCCTCTTTTTGTGAA-3'
Protein context (NP_056281.1, residues 292-312): DTVQDALRFT[Met302Val]DVIGGKYNSA